The following is an entry in ClinVar:

NM_000548.5(TSC2):c.117C>T (p.Ile39=)

Gene: TSC2 (TSC complex subunit 2; plus strand). Cytogenetic location: 16p13.3.
Variant type: single nucleotide variant.
Coding change: c.117C>T on transcript NM_000548.5 (MANE Select); coding-DNA position 117, C replaced by T.
Protein change: p.Ile39=; no amino-acid change (isoleucine 39 retained).
Molecular consequence: synonymous variant. On other transcripts: 5 prime UTR variant (19), non-coding transcript variant (5), intron variant (6).
Genome position (GRCh38, 1-based): chr16:2,048,732, C>T. VCF-style: chr16-2048732-C-T. GRCh37 (hg19) VCF-style: chr16-2098733-C-T.
Other names: c.117C>T, p.Ile39= (NM_001077183.3, NM_001114382.3, NM_001318827.2 and 13 more transcripts); c.-110C>T (NM_001318831.2, NM_001406682.1, NM_001406684.1 and 2 more transcripts); c.150C>T, p.Ile50= (NM_001318832.2); c.-700C>T (NM_001406680.1, NM_001406683.1, NM_001406687.1); c.-329C>T (NM_001406681.1); c.-1315C>T (NM_001406689.1, NM_001406690.1, NM_001406691.1 and 2 more transcripts); c.-1621C>T (NM_001406693.1); c.-1196C>T (NM_001406694.1, NM_001406695.1); and 4 more.
Identifiers: ClinVar variation 3974616 (VCV003974616.1).

ClinVar aggregate classification (germline): Uncertain significance (1 of 4 stars; one submission).

Conditions:
Hereditary cancer-predisposing syndrome. Also called: Tumor predisposition; Hereditary neoplastic syndrome; Hereditary Cancer Syndrome; Neoplastic Syndromes, Hereditary. Identifiers: Orphanet 140162, MedGen C0027672, MeSH D009386, MONDO:0015356.

Submission:

Ambry Genetics
Classification: Uncertain significance for Hereditary cancer-predisposing syndrome. Last evaluated: 2025-05-20. Review status: criteria provided, single submitter. Criteria: Ambry Variant Classification Scheme 2023. Collection method: clinical testing. Allele origin: germline.
Comment: The c.117C>T variant (also known as p.I39I), located in coding exon 1 of the TSC2 gene, results from a C to T substitution at nucleotide position 117. This nucleotide substitution does not change the isoleucine at codon 39. This nucleotide position is well conserved in available vertebrate species. In silico splice site analysis for this alteration is inconclusive. Based on the available evidence, the clinical significance of this variant remains unclear.